The following is an entry in ClinVar:

ClinVar aggregate classification (germline): Uncertain significance (1 of 4 stars; one submission).

Conditions:
Hereditary cancer-predisposing syndrome. Also called: Tumor predisposition; Hereditary Cancer Syndrome; Hereditary neoplastic syndrome; Neoplastic Syndromes, Hereditary. Identifiers: Orphanet 140162, MedGen C0027672, MeSH D009386, MONDO:0015356.

Submission:

Ambry Genetics
Classification: Uncertain significance for Hereditary cancer-predisposing syndrome. Last evaluated: 2026-02-16. Review status: criteria provided, single submitter. Criteria: Ambry Variant Classification Scheme 2023. Collection method: clinical testing. Allele origin: germline.
Comment: The c.2466+4_2466+7delAGTA intronic variant, located in intron 15 of the ATM gene, results from a deletion of 4 nucleotides within intron 15 of the ATM gene. This nucleotide position is highly conserved in available vertebrate species. In silico splice site analysis predicts that this alteration will weaken the native splice donor site. Based on the available evidence, the clinical significance of this variant remains unclear.

NM_000051.4(ATM):c.2466+4_2466+7del

Gene: ATM (ATM serine/threonine kinase; plus strand). Cytogenetic location: 11q22.3.
Variant type: Microsatellite.
Coding change: c.2466+4_2466+7del on transcript NM_000051.4 (MANE Select); bases 4 to 7 of the intron after coding-DNA position 2466, 4 bases deleted (AGTA; older notation c.2466+4_2466+7delAGTA).
Molecular consequence: splice donor variant.
Genome position (GRCh38, 1-based): chr11:108,259,079-108,259,082, AGTA deleted; deleting any 4 consecutive bases within chr11:108,259,075-108,259,082 gives the same sequence; the c. name uses the placement nearest the transcript's 3' end. VCF-style (leftmost placement, unchanged base first): chr11-108259074-TAGTA-T. GRCh37 (hg19) VCF-style: chr11-108129801-TAGTA-T.
Other names: c.2466+4_2466+7del (NM_001351834.2).
Identifiers: ClinVar variation 1791683 (VCV001791683.3), dbSNP rs2497421611, ClinGen allele CA2580616446.